The following is an entry in ClinVar:

NM_001329943.3(KIAA0586):c.3518C>G (p.Pro1173Arg)

Gene: KIAA0586 (KIAA0586; plus strand). Cytogenetic location: 14q23.1.
Variant type: single nucleotide variant.
Coding change: c.3518C>G on transcript NM_001329943.3 (MANE Select); coding-DNA position 3518, C replaced by G.
Protein change: p.Pro1173Arg; replaces proline 1173 with arginine.
Molecular consequence: missense variant.
Genome position (GRCh38, 1-based): chr14:58,488,100, C>G. VCF-style: chr14-58488100-C-G. GRCh37 (hg19) VCF-style: chr14-58954818-C-G.
Other names: c.3677C>G, p.Pro1226Arg (NM_001244189.2); c.3473C>G, p.Pro1158Arg (NM_001244190.2); c.3263C>G, p.Pro1088Arg (NM_001244191.2, NM_001329945.2, NM_001364700.1 and 1 more transcripts); c.3386C>G, p.Pro1129Arg (NM_001244192.2); c.3098C>G, p.Pro1033Arg (NM_001244193.2); c.3518C>G, p.Pro1173Arg (NM_001329944.2, NM_001329946.2, NM_001329947.2); c.3290C>G, p.Pro1097Arg (NM_014749.5); short protein forms P1158R, P1226R, P1088R, P1129R, P1033R, P1097R, P1173R.
Identifiers: ClinVar variation 1481509 (VCV001481509.6), dbSNP rs2141195740, ClinGen allele CA389882282.
Genomic context (GRCh38, chr14:58,488,100, plus strand): 5'-GTGATGGAGACCTGCCACTGGAAGAAGAGAACCCTAACTCACCTCAAGAAGAACTTCATC[C>G]AAGAGCTATGTAAATGAGAACATACTCACTAGTAACTGTACATTTCAACTTATGTTTGAC-3'
Protein context (NP_001316872.1, residues 1163-1183): NPNSPQEELH[Pro1173Arg]RAIVMSVAKD

ClinVar aggregate classification (germline): Uncertain significance (1 of 4 stars; one submission).

Conditions:
Joubert syndrome 23 (JBTS23). Identifiers: Orphanet 475, MedGen C4084822, MONDO:0014664, OMIM 616490.
Short-rib thoracic dysplasia 14 with polydactyly (SRTD14). Identifiers: Orphanet 397715, MedGen C4225286, MONDO:0014688, OMIM 616546.

Allele frequency attached by ClinVar (database versions not stated): gnomAD exomes below 0.00001.
gnomAD v4.1: 6 of 1,593,392 alleles (0.00038%); highest among the groups gnomAD compares: Non-Finnish European, 0.00051%; no homozygotes.

Submission:

Labcorp Genetics (formerly Invitae), Labcorp
Classification: Uncertain significance for Joubert syndrome 23; Short-rib thoracic dysplasia 14 with polydactyly. Last evaluated: 2022-09-19. Review status: criteria provided, single submitter. Criteria: Invitae Variant Classification Sherloc (09022015). Collection method: clinical testing. Allele origin: germline.
Comment: In summary, the available evidence is currently insufficient to determine the role of this variant in disease. Therefore, it has been classified as a Variant of Uncertain Significance. Advanced modeling of protein sequence and biophysical properties (such as structural, functional, and spatial information, amino acid conservation, physicochemical variation, residue mobility, and thermodynamic stability) performed at Invitae indicates that this missense variant is expected to disrupt KIAA0586 protein function. ClinVar contains an entry for this variant (Variation ID: 1481509). This variant has not been reported in the literature in individuals affected with KIAA0586-related conditions. This variant is not present in population databases (gnomAD no frequency). This sequence change replaces proline, which is neutral and non-polar, with arginine, which is basic and polar, at codon 1226 of the KIAA0586 protein (p.Pro1226Arg).